The following is an entry in ClinVar:

ClinVar aggregate classification (germline): Uncertain significance (1 of 4 stars; one submission).

Conditions:
Developmental and epileptic encephalopathy, 53. Also called: Epileptic encephalopathy, early infantile, 53. Identifiers: MedGen C4479313, MONDO:0033362, OMIM 617389.
Early-onset Parkinson disease 20. Also called: PARKINSON DISEASE 20, AUTOSOMAL RECESSIVE EARLY-ONSET. Identifiers: Orphanet 391411, MedGen C3809824, MONDO:0014233, OMIM 615530.

Allele frequency attached by ClinVar (database versions not stated): gnomAD below 0.00001 and 0.00001; ExAC 0.00002; gnomAD exomes 0.00002.
gnomAD v4.1: 30 of 1,614,016 alleles (0.0019%); highest among the groups gnomAD compares: South Asian, 0.019%; no homozygotes.

Submission:

Labcorp Genetics (formerly Invitae), Labcorp
Classification: Uncertain significance for Developmental and epileptic encephalopathy, 53; Early-onset Parkinson disease 20. Last evaluated: 2022-08-16. Review status: criteria provided, single submitter. Criteria: Invitae Variant Classification Sherloc (09022015). Collection method: clinical testing. Allele origin: germline.
Comment: In summary, the available evidence is currently insufficient to determine the role of this variant in disease. Therefore, it has been classified as a Variant of Uncertain Significance. Algorithms developed to predict the effect of missense changes on protein structure and function (SIFT, PolyPhen-2, Align-GVGD) all suggest that this variant is likely to be tolerated. ClinVar contains an entry for this variant (Variation ID: 1023572). This variant has not been reported in the literature in individuals affected with SYNJ1-related conditions. This variant is present in population databases (rs750670440, gnomAD 0.02%). This sequence change replaces serine, which is neutral and polar, with arginine, which is basic and polar, at codon 1446 of the SYNJ1 protein (p.Ser1446Arg).

NM_203446.3(SYNJ1):c.*309T>G

Gene: SYNJ1 (synaptojanin 1; minus strand). Cytogenetic location: 21q22.11.
Variant type: single nucleotide variant.
Coding change: c.*309T>G on transcript NM_203446.3 (MANE Select); 309 bases downstream of the stop codon, T replaced by G.
Molecular consequence: 3 prime UTR variant. On other transcripts: missense variant (2).
Genome position (GRCh38, 1-based): chr21:32,631,496, A>C on the plus strand (T>G on the coding strand, the complement: SYNJ1 is on the minus strand). VCF-style: chr21-32631496-A-C. GRCh37 (hg19) VCF-style: chr21-34003806-A-C.
Other names: c.*309T>G (NM_001160302.2); c.4080T>G, p.Ser1360Arg (NM_001160306.2); c.4338T>G, p.Ser1446Arg (NM_003895.4); short protein forms S1360R, S1446R.
Identifiers: ClinVar variation 1023572 (VCV001023572.7), dbSNP rs750670440, ClinGen allele CA10003135.